The following is an entry in ClinVar:

NM_002299.4(LCT):c.2714A>G (p.Asp905Gly)

Gene: LCT (lactase; minus strand). Cytogenetic location: 2q21.3.
Variant type: single nucleotide variant.
Coding change: c.2714A>G on transcript NM_002299.4 (MANE Select); coding-DNA position 2714, A replaced by G.
Protein change: p.Asp905Gly; replaces aspartic acid 905 with glycine.
Molecular consequence: missense variant.
Genome position (GRCh38, 1-based): chr2:135,809,633, T>C on the plus strand (A>G on the coding strand, the complement: LCT is on the minus strand). VCF-style: chr2-135809633-T-C. GRCh37 (hg19) VCF-style: chr2-136567203-T-C.
Other names: c.2714A>G (LRG_338t1); short protein forms D905G.
Identifiers: ClinVar variation 331195 (VCV000331195.18), dbSNP rs115690016, ClinGen allele CA1888178.

ClinVar aggregate classification (germline): Benign/Likely benign. Review status: criteria provided, multiple submitters, no conflicts (2 of 4 stars). 3 submissions from 3 submitters: Benign (1); Likely benign (1). 1 of the submissions does not count toward it. Last evaluated 2026-01-26.

Conditions:
Congenital lactase deficiency. Also called: ALACTASIA, CONGENITAL; DISACCHARIDE INTOLERANCE II. Identifiers: Orphanet 53690, MedGen C0268179, MONDO:0009115, OMIM 223000.
LCT-related disorder. Also called: LCT-related condition.

Allele frequency attached by ClinVar (database versions not stated): gnomAD exomes 0.00143 and 0.00387; ExAC 0.00468; gnomAD 0.01635 and 0.01755; ESP Exome Variant Server 0.01730; 1000 Genomes Project 0.01837; TOPMed 0.01884; 1000 Genomes Project 30x 0.01889.
gnomAD v4.1: 4,651 of 1,614,180 alleles (0.29%); highest among the groups gnomAD compares: African/African-American, 5.6%; 116 homozygotes.

Submissions (3):

Labcorp Genetics (formerly Invitae), Labcorp
Classification: Benign. Last evaluated: 2026-01-26. Review status: criteria provided, single submitter. Criteria: Invitae Variant Classification Sherloc (09022015). Collection method: clinical testing. Allele origin: germline.

Fulgent Genetics
Classification: Likely benign for Congenital lactase deficiency. Last evaluated: 2021-09-03. Review status: criteria provided, single submitter. Criteria: ACMG Guidelines, 2015. Collection method: clinical testing. Allele origin: unknown.

PreventionGenetics, part of Exact Sciences
Classification: Benign for LCT-related condition. Last evaluated: 2019-05-08. Review status: no assertion criteria provided. Collection method: clinical testing. Allele origin: germline. Not counted in ClinVar's aggregate classification.
Comment: This variant is classified as benign based on ACMG/AMP sequence variant interpretation guidelines (Richards et al. 2015 PMID: 25741868, with internal and published modifications).